The following is an entry in ClinVar:

ClinVar aggregate classification (germline): Benign/Likely benign. Review status: criteria provided, multiple submitters, no conflicts (2 of 4 stars). 3 submissions from 3 submitters: Benign (1); Likely benign (2). Last evaluated 2024-12-20.

Conditions:
Hereditary cancer-predisposing syndrome. Also called: Neoplastic Syndromes, Hereditary; Tumor predisposition; Hereditary Cancer Syndrome; Hereditary neoplastic syndrome. Identifiers: Orphanet 140162, MedGen C0027672, MeSH D009386, MONDO:0015356.
Oligodontia-cancer predisposition syndrome. Also called: TOOTH AGENESIS-COLORECTAL CANCER SYNDROME. Identifiers: Orphanet 300576, MedGen C1837750, MONDO:0012075, OMIM 608615. Disease mechanism: loss of function.

Allele frequency attached by ClinVar (database versions not stated): gnomAD exomes below 0.00001; ExAC 0.00002.
gnomAD v4.1: 2 of 1,614,216 alleles (0.00012%); highest among the groups gnomAD compares: South Asian, 0.0022%; no homozygotes.

Submissions (3):

Ambry Genetics
Classification: Likely benign for Hereditary cancer-predisposing syndrome. Last evaluated: 2024-12-20. Review status: criteria provided, single submitter. Criteria: Ambry Variant Classification Scheme 2023. Collection method: clinical testing. Allele origin: germline.

Myriad Genetics, Inc.
Classification: Benign for Oligodontia-cancer predisposition syndrome. Last evaluated: 2024-06-27. Review status: criteria provided, single submitter. Criteria: Myriad Autosomal Dominant, Autosomal Recessive and X-Linked Classification Criteria (2023). Collection method: clinical testing. Allele origin: unknown.
Comment: This variant is considered benign. This variant is a silent/synonymous amino acid change and it is not expected to impact splicing.

Labcorp Genetics (formerly Invitae), Labcorp
Classification: Likely benign for Oligodontia-cancer predisposition syndrome. Last evaluated: 2024-01-20. Review status: criteria provided, single submitter. Criteria: Invitae Variant Classification Sherloc (09022015). Collection method: clinical testing. Allele origin: germline.

NM_004655.4(AXIN2):c.741G>T (p.Val247=)

Gene: AXIN2 (axin 2; minus strand). Cytogenetic location: 17q24.1.
Variant type: single nucleotide variant.
Coding change: c.741G>T on transcript NM_004655.4 (MANE Select); coding-DNA position 741, G replaced by T.
Protein change: p.Val247=; no amino-acid change (valine 247 retained).
Molecular consequence: synonymous variant.
Genome position (GRCh38, 1-based): chr17:65,557,880, C>A on the plus strand (G>T on the coding strand, the complement: AXIN2 is on the minus strand). VCF-style: chr17-65557880-C-A. GRCh37 (hg19) VCF-style: chr17-63553998-C-A.
Other names: c.741G>T, p.Val247= (NM_001363813.1).
Identifiers: ClinVar variation 2710411 (VCV002710411.5), dbSNP rs752006477, ClinGen allele CA8718997.
Genomic context (GRCh38, chr17:65,557,880, plus strand): 5'-AACAGTTTCCGTGGACCTCACACTCGCCGTGGCCCTCAGAGTTTTGCTGGACAAGCCAAC[C>A]ACGGTTGGCGAAAGTTTGCACTTGAAGTCGGCACAAGTCCACTCCTCTTCTTCATTCAAG-3'
Protein context (NP_004646.3, residues 237-257): ADFKCKLSPT[Val247=]VGLSSKTLRA